The following is an entry in ClinVar:

NM_138576.4(BCL11B):c.2635G>A (p.Glu879Lys)

Gene: BCL11B (BCL11 transcription factor B; minus strand). Cytogenetic location: 14q32.2.
Variant type: single nucleotide variant.
Coding change: c.2635G>A on transcript NM_138576.4 (MANE Select); coding-DNA position 2635, G replaced by A.
Protein change: p.Glu879Lys; replaces glutamic acid 879 with lysine.
Molecular consequence: missense variant.
Genome position (GRCh38, 1-based): chr14:99,174,201, C>T on the plus strand (G>A on the coding strand, the complement: BCL11B is on the minus strand). VCF-style: chr14-99174201-C-T. GRCh37 (hg19) VCF-style: chr14-99640538-C-T.
Other names: c.2632G>A, p.Glu878Lys (NM_001282237.2); c.2419G>A, p.Glu807Lys (NM_001282238.2); c.2422G>A, p.Glu808Lys (NM_022898.3); short protein forms E807K, E808K, E878K, E879K.
Identifiers: ClinVar variation 2781845 (VCV002781845.3), dbSNP rs2139752389, ClinGen allele CA390932753.

ClinVar aggregate classification (germline): Uncertain significance (1 of 4 stars; one submission).

Submission:

Labcorp Genetics (formerly Invitae), Labcorp
Classification: Uncertain significance. Last evaluated: 2023-03-23. Review status: criteria provided, single submitter. Criteria: Invitae Variant Classification Sherloc (09022015). Collection method: clinical testing. Allele origin: germline.
Comment: In summary, the available evidence is currently insufficient to determine the role of this variant in disease. Therefore, it has been classified as a Variant of Uncertain Significance. Advanced modeling of protein sequence and biophysical properties (such as structural, functional, and spatial information, amino acid conservation, physicochemical variation, residue mobility, and thermodynamic stability) performed at Invitae indicates that this missense variant is not expected to disrupt BCL11B protein function. This variant has not been reported in the literature in individuals affected with BCL11B-related conditions. This variant is not present in population databases (gnomAD no frequency). This sequence change replaces glutamic acid, which is acidic and polar, with lysine, which is basic and polar, at codon 879 of the BCL11B protein (p.Glu879Lys).